The following is an entry in ClinVar:

NM_198253.3(TERT):c.2808_2815del (p.Thr937fs)

Gene: TERT (telomerase reverse transcriptase; minus strand). Cytogenetic location: 5p15.33.
Variant type: Deletion.
Coding change: c.2808_2815del on transcript NM_198253.3 (MANE Select); coding-DNA positions 2808 to 2815, 8 bases deleted (TACCCGGA; older notation c.2808_2815delTACCCGGA).
Protein change: p.Thr937fs; shifts the reading frame from threonine 937.
Molecular consequence: frameshift variant. On other transcripts: intron variant (1).
Genome position (GRCh38, 1-based): chr5:1,264,432-1,264,439, TCCGGGTA deleted on the plus strand (TACCCGGA on the coding strand, the reverse complement: TERT is on the minus strand); deleting any 8 consecutive bases within chr5:1,264,432-1,264,442 gives the same sequence; the c. name uses the placement nearest the transcript's 3' end. VCF-style (leftmost placement, unchanged base first): chr5-1264431-GTCCGGGTA-G. GRCh37 (hg19) VCF-style: chr5-1264546-GTCCGGGTA-G.
Other names: c.2805_2812delGGATACCC, p.Thr937Profs (NM_003219.1); c.2654+2025_2654+2032del (NM_001193376.3); short protein forms T937fs.
Identifiers: ClinVar variation 2935285 (VCV002935285.3), dbSNP rs2478152673, ClinGen allele CA2740091629.

ClinVar aggregate classification (germline): Pathogenic (1 of 4 stars; one submission).

Conditions:
Dyskeratosis congenita, autosomal dominant 2. Identifiers: MedGen C3151443, MONDO:0013521, OMIM 613989.
Idiopathic Pulmonary Fibrosis. Also called: Idiopathic fibrosing alveolitis, chronic form; idiopathic fibrosing alveolitis. Identifiers: Orphanet 2032, MedGen C1800706, MeSH D054990, MONDO:0800504.

Submission:

Labcorp Genetics (formerly Invitae), Labcorp
Classification: Pathogenic for Dyskeratosis congenita, autosomal dominant 2; Idiopathic Pulmonary Fibrosis. Last evaluated: 2023-02-27. Review status: criteria provided, single submitter. Criteria: Invitae Variant Classification Sherloc (09022015). Collection method: clinical testing. Allele origin: germline.
Comment: For these reasons, this variant has been classified as Pathogenic. This variant has not been reported in the literature in individuals affected with TERT-related conditions. This variant is not present in population databases (gnomAD no frequency). This sequence change creates a premature translational stop signal (p.Thr937Profs*99) in the TERT gene. It is expected to result in an absent or disrupted protein product. Loss-of-function variants in TERT are known to be pathogenic (PMID: 16247010, 17460043).

Literature cited by the submitters: PubMed 16247010; PubMed 17460043.